The following is an entry in ClinVar:

ClinVar aggregate classification (germline): Uncertain significance (1 of 4 stars; one submission).

Conditions:
Intellectual disability, autosomal recessive 53 (NEDHSCA). Also called: GLYCOSYLPHOSPHATIDYLINOSITOL BIOSYNTHESIS DEFECT 13; Mental retardation, autosomal recessive 53; NEURODEVELOPMENTAL DISORDER WITH OR WITHOUT HYPOTONIA, SEIZURES, AND CEREBELLAR ATROPHY. Identifiers: Orphanet 488635, MedGen C4310794, MONDO:0014832, OMIM 616917.

Allele frequency attached by ClinVar (database versions not stated): gnomAD exomes 0.00001.
gnomAD v4.1: 8 of 1,613,094 alleles (0.0005%); highest among the groups gnomAD compares: Non-Finnish European, 0.00068%; no homozygotes.

Submission:

Labcorp Genetics (formerly Invitae), Labcorp
Classification: Uncertain significance for Intellectual disability, autosomal recessive 53. Last evaluated: 2021-11-11. Review status: criteria provided, single submitter. Criteria: Invitae Variant Classification Sherloc (09022015). Collection method: clinical testing. Allele origin: germline.
Comment: This sequence change replaces leucine, which is neutral and non-polar, with phenylalanine, which is neutral and non-polar, at codon 778 of the PIGG protein (p.Leu778Phe). This variant is not present in population databases (gnomAD no frequency). This variant has not been reported in the literature in individuals affected with PIGG-related conditions. Algorithms developed to predict the effect of missense changes on protein structure and function (SIFT, PolyPhen-2, Align-GVGD) all suggest that this variant is likely to be tolerated. In summary, the available evidence is currently insufficient to determine the role of this variant in disease. Therefore, it has been classified as a Variant of Uncertain Significance.

NM_001127178.3(PIGG):c.2332C>T (p.Leu778Phe)

Gene: PIGG (phosphatidylinositol glycan anchor biosynthesis class G (EMM blood group); plus strand). Cytogenetic location: 4p16.3.
Variant type: single nucleotide variant.
Coding change: c.2332C>T on transcript NM_001127178.3 (MANE Select); coding-DNA position 2332, C replaced by T.
Protein change: p.Leu778Phe; replaces leucine 778 with phenylalanine.
Molecular consequence: missense variant. On other transcripts: non-coding transcript variant (6).
Genome position (GRCh38, 1-based): chr4:530,506, C>T. VCF-style: chr4-530506-C-T. GRCh37 (hg19) VCF-style: chr4-524295-C-T.
Other names: c.2065C>T, p.Leu689Phe (NM_001289051.2, NM_001345986.2); c.1933C>T, p.Leu645Phe (NM_001289052.2); c.2041C>T, p.Leu681Phe (NM_001345987.2); c.1303C>T, p.Leu435Phe (NM_001345988.2); c.799C>T, p.Leu267Phe (NM_001345990.2, NM_001345991.2); c.1234C>T, p.Leu412Phe (NM_001345994.2); c.2308C>T, p.Leu770Phe (NM_017733.5); short protein forms L681F, L770F, L778F, L645F, L689F, L267F, L412F, L435F.
Identifiers: ClinVar variation 1436460 (VCV001436460.6), dbSNP rs2109014450, ClinGen allele CA355909796.